The following is an entry in ClinVar:

ClinVar aggregate classification (germline): Likely pathogenic (1 of 4 stars; one submission).
ClinVar aggregate classification (somatic clinical impact): Tier I - Strong (1 of 4 stars; one submission).

Conditions:
Alpha thalassemia-X-linked intellectual disability syndrome (ATRX). Also called: ALPHA-THALASSEMIA/MENTAL RETARDATION SYNDROME, X-LINKED; ATR, NONDELETION TYPE; ATR-X syndrome; Alpha thalassemia mental retardation syndrome, nondeletion type, X-linked; XLMR hypotonic face syndrome; X-linked alpha-thalassemia-mental retardation syndrome. Identifiers: Orphanet 847, MedGen C1845055, MONDO:0010519, OMIM 301040.
Diffuse pediatric-type high-grade glioma, H3-wildtype and IDH-wildtype. Identifiers: MedGen C5669918, MONDO:0858939.

Submissions (2):

Natera, Inc.
Classification: Likely pathogenic for X-linked alpha-thalassemia-mental retardation syndrome. Last evaluated: 2024-10-15. Review status: criteria provided, single submitter. Criteria: Natera Variant Classification Schema (03/2026). Collection method: clinical testing. Allele origin: germline.
Comment: The c.4744dup variant in ATRX is a frameshift variant predicted to shift the reading frame beginning at codon 1582 and leads to a stop codon 19 codons downstream. This variant is expected to result in nonsense mediated decay, truncation, or a dysfunctional protein product. This variant is rare in the general population with a frequency below the threshold expected for the associated phenotype(s). Given the available evidence, this variant is classified as Likely Pathogenic.

Institute for Genomic Medicine (IGM) Clinical Laboratory, Nationwide Children's Hospital
Classification: Tier I - Strong for Diffuse pediatric-type high-grade glioma, H3-wildtype and IDH-wildtype. Assertion type: diagnostic. Clinical significance: supports diagnosis. Last evaluated: 2022-11-07. Review status: criteria provided, single submitter. Criteria: AMP/ASCO/CAP Guidelines, 2017. Collection method: clinical testing. Allele origin: somatic. Affected: yes.
Comment: Variant has Tier I (strong) clinical significance as a diagnostic inclusion criterion in diffuse pediatric-type high-grade glioma, H3-wildtype and IDH-wildtype, based on the following evidence: 1) Documented in one or more cancer databases (e.g., St. Jude Pecan, COSMIC, CIViC, OncoKB). 2) Diagnostic for a specific tumor type/classification based on well-powered studies with expert-level consensus (Evidence Level B; PMIDs: 28966033, 24705251, 29763623, 28912153, 25219808, 34131647).

Literature cited by the submitters: PubMed 28966033 (cited by Institute for Genomic Medicine (IGM) Clinical Laboratory, Nationwide Children's Hospital); PubMed 24705251 (cited by Institute for Genomic Medicine (IGM) Clinical Laboratory, Nationwide Children's Hospital); PubMed 29763623 (cited by Institute for Genomic Medicine (IGM) Clinical Laboratory, Nationwide Children's Hospital); PubMed 28912153 (cited by Institute for Genomic Medicine (IGM) Clinical Laboratory, Nationwide Children's Hospital); PubMed 25219808 (cited by Institute for Genomic Medicine (IGM) Clinical Laboratory, Nationwide Children's Hospital); PubMed 34131647 (cited by Institute for Genomic Medicine (IGM) Clinical Laboratory, Nationwide Children's Hospital).

NM_000489.6(ATRX):c.4744dup (p.Thr1582fs)

Gene: ATRX (ATRX chromatin remodeler; minus strand). Cytogenetic location: Xq21.1.
Variant type: Duplication.
Coding change: c.4744dup on transcript NM_000489.6 (MANE Select); coding-DNA position 4744, one base duplicated (A; older notation c.4744dupA).
Protein change: p.Thr1582fs; shifts the reading frame from threonine 1582.
Molecular consequence: frameshift variant.
Genome position (GRCh38, 1-based): chrX:77,634,659, T duplicated on the plus strand (A on the coding strand, the reverse complement: ATRX is on the minus strand); the first of 7 consecutive T bases (chrX:77,634,659-77,634,665); duplicating any one gives the same sequence. VCF-style (leftmost placement, unchanged base first): chrX-77634658-G-GT. GRCh37 (hg19) VCF-style: chrX-76890149-G-GT.
Other names: c.4630dup, p.Thr1544fs (NM_138270.5); c.4744dup (NM_000489.5); short protein forms T1544fs, T1582fs.
Identifiers: ClinVar variation 4530211 (VCV004530211.2).